The following is an entry in ClinVar:

ClinVar aggregate classification (germline): Uncertain significance (1 of 4 stars; one submission).

Conditions:
Progressive myoclonic epilepsy type 9. Identifiers: Orphanet 457265, MedGen C4225289, MONDO:0014685, OMIM 616540.
Lipodystrophy, partial, acquired, susceptibility to (APLD). Also called: APLD, SUSCEPTIBILITY TO. Identifiers: MedGen C3887501, MONDO:0100476, OMIM 608709.

Allele frequency attached by ClinVar (database versions not stated): TOPMed below 0.00001; gnomAD 0.00001; gnomAD exomes 0.00001.
gnomAD v4.1: 10 of 1,613,324 alleles (0.00062%); highest among the groups gnomAD compares: Non-Finnish European, 0.00076%; no homozygotes.

Submission:

Labcorp Genetics (formerly Invitae), Labcorp
Classification: Uncertain significance for Progressive myoclonic epilepsy type 9; Lipodystrophy, partial, acquired, susceptibility to. Last evaluated: 2022-02-02. Review status: criteria provided, single submitter. Criteria: Invitae Variant Classification Sherloc (09022015). Collection method: clinical testing. Allele origin: germline.
Comment: In summary, the available evidence is currently insufficient to determine the role of this variant in disease. Therefore, it has been classified as a Variant of Uncertain Significance. Algorithms developed to predict the effect of missense changes on protein structure and function (SIFT, PolyPhen-2, Align-GVGD) all suggest that this variant is likely to be tolerated. This variant has not been reported in the literature in individuals affected with LMNB2-related conditions. This variant is present in population databases (no rsID available, gnomAD 0.0009%). This sequence change replaces methionine, which is neutral and non-polar, with lysine, which is basic and polar, at codon 352 of the LMNB2 protein (p.Met352Lys).

NM_032737.4(LMNB2):c.1055T>A (p.Met352Lys)

Gene: LMNB2 (lamin B2; minus strand). Cytogenetic location: 19p13.3.
Variant type: single nucleotide variant.
Coding change: c.1055T>A on transcript NM_032737.4 (MANE Select); coding-DNA position 1055, T replaced by A.
Protein change: p.Met352Lys; replaces methionine 352 with lysine.
Molecular consequence: missense variant.
Genome position (GRCh38, 1-based): chr19:2,434,442, A>T on the plus strand (T>A on the coding strand, the complement: LMNB2 is on the minus strand). VCF-style: chr19-2434442-A-T. GRCh37 (hg19) VCF-style: chr19-2434440-A-T.
Other names: short protein forms M352K.
Identifiers: ClinVar variation 1925330 (VCV001925330.5), dbSNP rs1370989745, ClinGen allele CA403254151.